The following is an entry in ClinVar:

ClinVar aggregate classification (germline): Uncertain significance (1 of 4 stars; one submission).

Conditions:
Retinitis pigmentosa 12 (RP12). Also called: RP WITH OR WITHOUT PRESERVED PARAARTERIOLE RETINAL PIGMENT EPITHELIUM; RETINITIS PIGMENTOSA WITH OR WITHOUT PARAARTERIOLAR PRESERVATION OF RETINAL PIGMENT EPITHELIUM; RP WITH OR WITHOUT PPRPE. Identifiers: Orphanet 791, MedGen C1838647, MONDO:0010818, OMIM 600105.
Leber congenital amaurosis 8 (LCA8). Identifiers: Orphanet 65, MedGen C3151202, MONDO:0013453, OMIM 613835.

Submission:

Labcorp Genetics (formerly Invitae), Labcorp
Classification: Uncertain significance for Leber congenital amaurosis 8; Retinitis pigmentosa 12. Last evaluated: 2023-08-14. Review status: criteria provided, single submitter. Criteria: Invitae Variant Classification Sherloc (09022015). Collection method: clinical testing. Allele origin: germline.
Comment: This missense change has been observed in individual(s) with autosomal recessive retinitis pigmentosa (PMID: 28559085). This sequence change replaces glycine, which is neutral and non-polar, with valine, which is neutral and non-polar, at codon 1208 of the CRB1 protein (p.Gly1208Val). This variant is not present in population databases (gnomAD no frequency). Advanced modeling of protein sequence and biophysical properties (such as structural, functional, and spatial information, amino acid conservation, physicochemical variation, residue mobility, and thermodynamic stability) performed at Invitae indicates that this missense variant is expected to disrupt CRB1 protein function. In summary, the available evidence is currently insufficient to determine the role of this variant in disease. Therefore, it has been classified as a Variant of Uncertain Significance.

Literature cited by the submitters: PubMed 28559085.

NM_201253.3(CRB1):c.3623G>T (p.Gly1208Val)

Gene: CRB1 (crumbs cell polarity complex component 1; plus strand). Cytogenetic location: 1q31.3.
Variant type: single nucleotide variant.
Coding change: c.3623G>T on transcript NM_201253.3 (MANE Select); coding-DNA position 3623, G replaced by T.
Protein change: p.Gly1208Val; replaces glycine 1208 with valine.
Molecular consequence: missense variant. On other transcripts: non-coding transcript variant (2), intron variant (1).
Genome position (GRCh38, 1-based): chr1:197,435,486, G>T. VCF-style: chr1-197435486-G-T. GRCh37 (hg19) VCF-style: chr1-197404616-G-T.
Other names: c.3287G>T, p.Gly1096Val (NM_001193640.2); c.3551G>T, p.Gly1184Val (NM_001257965.2); c.2129-114G>T (NM_001257966.2); short protein forms G1096V, G1184V, G1208V.
Identifiers: ClinVar variation 2927172 (VCV002927172.3), dbSNP rs773073634, ClinGen allele CA344050020.
Genomic context (GRCh38, chr1:197,435,486, plus strand): 5'-ATGGCAACTGCTCTGACAGAGTTGCAGCCTACCACTGCACATGTGAGCCTGGATACACTG[G>T]TGTGAACTGTGAAGTGGATATAGACAACTGCCAGAGTCACCAGTGTGCAAATGGAGCCAC-3'
Protein context (NP_957705.1, residues 1198-1218): YHCTCEPGYT[Gly1208Val]VNCEVDIDNC